The following is an entry in ClinVar:

ClinVar aggregate classification (germline): Uncertain significance. Review status: criteria provided, multiple submitters, no conflicts (2 of 4 stars). 3 submissions from 3 submitters: Uncertain significance (3). Last evaluated 2026-09-27.

Conditions:
Hereditary cancer-predisposing syndrome. Also called: Hereditary neoplastic syndrome; Neoplastic Syndromes, Hereditary; Tumor predisposition; Hereditary Cancer Syndrome. Identifiers: Orphanet 140162, MedGen C0027672, MeSH D009386, MONDO:0015356.

Allele frequency attached by ClinVar (database versions not stated): gnomAD exomes below 0.00001.
gnomAD v4.1: 1 of 1,614,208 alleles (0.000062%); highest among the groups gnomAD compares: Non-Finnish European, 0.000085%; no homozygotes.

Submissions (3):

GeneDx
Classification: Uncertain significance. Last evaluated: 2026-09-27. Review status: criteria provided, single submitter. Criteria: GeneDx Variant Classification Process June 2021. Collection method: clinical testing. Allele origin: germline.
Comment: Not observed at significant frequency in large population cohorts (gnomAD); In silico analysis supports that this missense variant has a deleterious effect on protein structure/function; Has not been previously published as pathogenic or benign to our knowledge

Ambry Genetics
Classification: Uncertain significance for Hereditary cancer-predisposing syndrome. Last evaluated: 2024-05-10. Review status: criteria provided, single submitter. Criteria: Ambry Variant Classification Scheme 2023. Collection method: clinical testing. Allele origin: germline.
Comment: The p.R238S variant (also known as c.714G>C), located in coding exon 9 of the BAP1 gene, results from a G to C substitution at nucleotide position 714. The arginine at codon 238 is replaced by serine, an amino acid with dissimilar properties. This amino acid position is highly conserved in available vertebrate species. In addition, this alteration is predicted to be deleterious by in silico analysis. Based on the available evidence, the clinical significance of this variant remains unclear.

Color Diagnostics, LLC DBA Color Health
Classification: Uncertain significance for Hereditary cancer-predisposing syndrome. Last evaluated: 2024-03-06. Review status: criteria provided, single submitter. Criteria: ACMG Guidelines, 2015. Collection method: clinical testing. Allele origin: germline.
Comment: This missense variant replaces arginine with serine at codon 238 of the BAP1 protein. Computational prediction suggests that this variant may not impact protein structure and function (internally defined REVEL score threshold <= 0.5, PMID: 27666373). To our knowledge, functional studies have not been reported for this variant. This variant has not been reported in individuals affected with hereditary cancer in the literature. This variant has not been identified in the general population by the Genome Aggregation Database (gnomAD). The available evidence is insufficient to determine the role of this variant in disease conclusively. Therefore, this variant is classified as a Variant of Uncertain Significance.

NM_004656.4(BAP1):c.714G>C (p.Arg238Ser)

Gene: BAP1 (BRCA1 associated deubiquitinase 1; minus strand). Cytogenetic location: 3p21.1.
Variant type: single nucleotide variant.
Coding change: c.714G>C on transcript NM_004656.4 (MANE Select); coding-DNA position 714, G replaced by C.
Protein change: p.Arg238Ser; replaces arginine 238 with serine.
Molecular consequence: missense variant.
Genome position (GRCh38, 1-based): chr3:52,406,322, C>G on the plus strand (G>C on the coding strand, the complement: BAP1 is on the minus strand). VCF-style: chr3-52406322-C-G. GRCh37 (hg19) VCF-style: chr3-52440338-C-G.
Other names: short protein forms R238S.
Identifiers: ClinVar variation 490884 (VCV000490884.11), dbSNP rs1340520481, ClinGen allele CA353107310.